The following is an entry in ClinVar:

NM_001291303.3(FAT4):c.5889T>A (p.Val1963=)

Gene: FAT4 (FAT atypical cadherin 4; plus strand). Cytogenetic location: 4q28.1.
Variant type: single nucleotide variant.
Coding change: c.5889T>A on transcript NM_001291303.3 (MANE Select); coding-DNA position 5889, T replaced by A.
Protein change: p.Val1963=; no amino-acid change (valine 1963 retained).
Molecular consequence: synonymous variant.
Genome position (GRCh38, 1-based): chr4:125,408,763, T>A. VCF-style: chr4-125408763-T-A. GRCh37 (hg19) VCF-style: chr4-126329918-T-A.
Other names: c.5889T>A, p.Val1963= (NM_001291285.3, NM_024582.6).
Identifiers: ClinVar variation 3388482 (VCV003388482.14).

ClinVar aggregate classification (germline): Likely benign (1 of 4 stars; one submission).

gnomAD v4.1: 2 of 1,581,882 alleles (0.00013%); highest among the groups gnomAD compares: African/African-American, 0.0014%; no homozygotes.

Submission:

CeGaT Center for Human Genetics Tuebingen
Classification: Likely benign. Last evaluated: 2024-09-01. Review status: criteria provided, single submitter. Criteria: CeGaT Center For Human Genetics Tuebingen Variant Classification Criteria Version 2. Collection method: clinical testing. Allele origin: germline. Affected: yes. Observed: 1 variant allele.
Comment: FAT4: BP4, BP7